The following is an entry in ClinVar:

NM_012254.3(SLC27A5):c.1149C>T (p.Gly383=)

Gene: SLC27A5 (solute carrier family 27 member 5; minus strand). Cytogenetic location: 19q13.43.
Variant type: single nucleotide variant.
Coding change: c.1149C>T on transcript NM_012254.3 (MANE Select); coding-DNA position 1149, C replaced by T.
Protein change: p.Gly383=; no amino-acid change (glycine 383 retained).
Molecular consequence: synonymous variant.
Genome position (GRCh38, 1-based): chr19:58,501,319, G>A on the plus strand (C>T on the coding strand, the complement: SLC27A5 is on the minus strand). VCF-style: chr19-58501319-G-A. GRCh37 (hg19) VCF-style: chr19-59012686-G-A.
Other names: p.Gly383=; c.897C>T, p.Gly299= (NM_001321196.2).
Identifiers: ClinVar variation 3380642 (VCV003380642.1).

ClinVar aggregate classification (germline): Uncertain significance (1 of 4 stars; one submission).

gnomAD v4.1: 20 of 1,613,614 alleles (0.0012%); highest among the groups gnomAD compares: Middle Eastern, 0.033%; no homozygotes.

Submission:

Mayo Clinic Laboratories, Mayo Clinic
Classification: Uncertain significance. Last evaluated: 2024-07-02. Review status: criteria provided, single submitter. Criteria: ACMG Guidelines, 2015. Collection method: clinical testing. Allele origin: germline. Observed: 2 variant alleles.
Comment: PP3